The following is an entry in ClinVar:

ClinVar aggregate classification (germline): Uncertain significance. Review status: criteria provided, multiple submitters, no conflicts (2 of 4 stars). 3 submissions from 3 submitters: Uncertain significance (2). 1 of the submissions does not count toward it. Last evaluated 2024-10-29.

Conditions:
ENO3-related disorder. Also called: ENO3-related condition.
Inborn genetic diseases. Identifiers: MedGen C0950123, MeSH D030342.
Glycogen storage disease due to muscle beta-enolase deficiency (GSD13). Also called: Glycogen Storage Disease Type XIII; ENOLASE 3 DEFICIENCY; ENOLASE-BETA DEFICIENCY; GSD XIII. Identifiers: Orphanet 99849, MedGen C2752027, MONDO:0013046, OMIM 612932.

Allele frequency attached by ClinVar (database versions not stated): gnomAD 0.00001.
gnomAD v4.1: 15 of 1,613,894 alleles (0.00093%); highest among the groups gnomAD compares: Middle Eastern, 0.016%; no homozygotes.

Submissions (3):

Ambry Genetics
Classification: Uncertain significance for Inborn genetic diseases. Last evaluated: 2024-10-29. Review status: criteria provided, single submitter. Criteria: Ambry Variant Classification Scheme 2023. Collection method: clinical testing. Allele origin: germline.

Labcorp Genetics (formerly Invitae), Labcorp
Classification: Uncertain significance for Glycogen storage disease due to muscle beta-enolase deficiency. Last evaluated: 2022-06-06. Review status: criteria provided, single submitter. Criteria: Invitae Variant Classification Sherloc (09022015). Collection method: clinical testing. Allele origin: germline.
Comment: This sequence change replaces valine, which is neutral and non-polar, with leucine, which is neutral and non-polar, at codon 311 of the ENO3 protein (p.Val311Leu). This variant is present in population databases (no rsID available, gnomAD 0.01%). This variant has not been reported in the literature in individuals affected with ENO3-related conditions. Algorithms developed to predict the effect of missense changes on protein structure and function (SIFT, PolyPhen-2, Align-GVGD) all suggest that this variant is likely to be tolerated. In summary, the available evidence is currently insufficient to determine the role of this variant in disease. Therefore, it has been classified as a Variant of Uncertain Significance.

PreventionGenetics, part of Exact Sciences
Classification: Uncertain significance for ENO3-related condition. Last evaluated: 2024-08-16. Review status: no assertion criteria provided. Collection method: clinical testing. Allele origin: germline. Not counted in ClinVar's aggregate classification.
Comment: The ENO3 c.931G>T variant is predicted to result in the amino acid substitution p.Val311Leu. To our knowledge, this variant has not been reported in the literature. At this time, the clinical significance of this variant is uncertain due to the absence of conclusive functional and genetic evidence.

NM_053013.4(ENO3):c.931G>T (p.Val311Leu)

Gene: ENO3 (enolase 3; plus strand). Cytogenetic location: 17p13.2.
Variant type: single nucleotide variant.
Coding change: c.931G>T on transcript NM_053013.4 (MANE Select); coding-DNA position 931, G replaced by T.
Protein change: p.Val311Leu; replaces valine 311 with leucine.
Molecular consequence: missense variant.
Genome position (GRCh38, 1-based): chr17:4,956,007, G>T. VCF-style: chr17-4956007-G-T. GRCh37 (hg19) VCF-style: chr17-4859302-G-T.
Other names: c.931G>T (NM_053013.3); c.802G>T, p.Val268Leu (NM_001193503.2); c.931G>T, p.Val311Leu (NM_001374523.1, NM_001976.5); c.958G>T, p.Val320Leu (NM_001374524.1); short protein forms V268L, V311L, V320L.
Identifiers: ClinVar variation 2050381 (VCV002050381.3), dbSNP rs1233977786, ClinGen allele CA397292566.